The following is an entry in ClinVar:

ClinVar aggregate classification (germline): Benign. Review status: criteria provided, multiple submitters, no conflicts (2 of 4 stars). 2 submissions from 2 submitters: Benign (2). Last evaluated 2018-01-12.

Conditions:
Neuronopathy, distal hereditary motor, autosomal recessive 4. Also called: Autosomal recessive lower motor neuron disease with childhood onset; NEUROPATHY, DISTAL HEREDITARY MOTOR, AUTOSOMAL RECESSIVE 4. Identifiers: Orphanet 206580, MedGen C1970211, MONDO:0012608, OMIM 611067.

Allele frequency attached by ClinVar (database versions not stated): 1000 Genomes Project 30x 0.09166; gnomAD 0.08819 and 0.09117; TOPMed 0.09579; 1000 Genomes Project 0.08626.

Submissions (2):

Illumina Laboratory Services, Illumina
Classification: Benign for Neuronopathy, distal hereditary motor, autosomal recessive 4. Last evaluated: 2018-01-12. Review status: criteria provided, single submitter. Criteria: ICSL Variant Classification Criteria 13 December 2019. Collection method: clinical testing. Allele origin: germline.
Comment: This variant was observed in the ICSL laboratory as part of a predisposition screen in an ostensibly healthy population. It had not been previously curated by ICSL or reported in the Human Gene Mutation Database (HGMD: prior to June 1st, 2018), and was therefore a candidate for classification through an automated scoring system. Utilizing variant allele frequency, disease prevalence and penetrance estimates, and inheritance mode, an automated score was calculated to assess if this variant is too frequent to cause the disease. Based on the score and internal cut-off values, a variant classified as benign is not then subjected to further curation. The score for this variant resulted in a classification of benign for this disease.

Breakthrough Genomics
Classification: Benign. Review status: criteria provided, single submitter. Criteria: ACMG Guidelines, 2015. Collection method: not provided. Allele origin: germline. Inheritance: Autosomal recessive inheritance. Affected: yes.

NM_020631.4(PLEKHG5):c.*1304G>A

Gene: PLEKHG5 (pleckstrin homology and RhoGEF domain containing G5; minus strand). Cytogenetic location: 1p36.31.
Variant type: single nucleotide variant.
Coding change: c.*1304G>A on transcript NM_020631.4; 1304 bases downstream of the stop codon, G replaced by A.
Genome position (GRCh38, 1-based): chr1:6,466,259, C>T on the plus strand (G>A on the coding strand, the complement: PLEKHG5 is on the minus strand). VCF-style: chr1-6466259-C-T. GRCh37 (hg19) VCF-style: chr1-6526319-C-T.
Identifiers: ClinVar variation 297910 (VCV000297910.8), dbSNP rs45604837, ClinGen allele CA10610644.